The following is an entry in ClinVar:

NM_001036.6(RYR3):c.52-8_52-6del

Gene: RYR3 (ryanodine receptor 3; plus strand). Cytogenetic location: 15q14.
Variant type: Deletion.
Coding change: c.52-8_52-6del on transcript NM_001036.6 (MANE Select); 8 bases into the intron before coding-DNA position 52 through 6 bases into the intron before coding-DNA position 52, 3 bases deleted (CCT; older notation c.52-8_52-6delCCT).
Molecular consequence: intron variant.
Genome position (GRCh38, 1-based): chr15:33,473,411-33,473,413, CCT deleted; deleting any 3 consecutive bases within chr15:33,473,409-33,473,413 gives the same sequence; the c. name uses the placement nearest the transcript's 3' end. VCF-style (leftmost placement, unchanged base first): chr15-33473408-TCTC-T. GRCh37 (hg19) VCF-style: chr15-33765609-TCTC-T.
Other names: c.52-8_52-6del (NM_001243996.4, NM_001036.4).
Identifiers: ClinVar variation 461924 (VCV000461924.12), dbSNP rs138901366, ClinGen allele CA7457686.
Genomic context (GRCh38, chr15:33,473,408, plus strand): 5'-ACAGGAAGGTGACTCGGGGCCTGGCTCAGCAGTTCCCCTTACTCATGTTTGGGTCTCTCT[TCTC>T]CTGGCAGGAGGATGAAGTGGTACTCCAGTGCATCGCCACCATTCATAAGGAGCAGAGGAA-3'

ClinVar aggregate classification (germline): Benign. Review status: criteria provided, single submitter (1 of 4 stars). 2 submissions from 2 submitters: Benign (1). 1 of the submissions does not count toward it. Last evaluated 2026-01-25.

Conditions:
RYR3-related disorder. Also called: RYR3-related condition.
Epileptic encephalopathy. Identifiers: MedGen C0543888, HP:0200134.

Submissions (2):

Labcorp Genetics (formerly Invitae), Labcorp
Classification: Benign for Epileptic encephalopathy. Last evaluated: 2026-01-25. Review status: criteria provided, single submitter. Criteria: Invitae Variant Classification Sherloc (09022015). Collection method: clinical testing. Allele origin: germline.

PreventionGenetics, part of Exact Sciences
Classification: Benign for RYR3-related condition. Last evaluated: 2019-04-17. Review status: no assertion criteria provided. Collection method: clinical testing. Allele origin: germline. Not counted in ClinVar's aggregate classification.
Comment: This variant is classified as benign based on ACMG/AMP sequence variant interpretation guidelines (Richards et al. 2015 PMID: 25741868, with internal and published modifications).